The following is an entry in ClinVar:

NM_004064.5(CDKN1B):c.570_592dup (p.Thr198fs)

Gene: CDKN1B (cyclin dependent kinase inhibitor 1B; plus strand). Cytogenetic location: 12p13.1.
Variant type: Duplication.
Coding change: c.570_592dup on transcript NM_004064.5 (MANE Select); coding-DNA positions 570 to 592, 23 bases duplicated (GCCTGGCCTCAGAAGACGTCAAA).
Protein change: p.Thr198fs; shifts the reading frame from threonine 198.
Molecular consequence: frameshift variant.
Genome position (GRCh38, 1-based): chr12:12,718,919-12,718,941, GCCTGGCCTCAGAAGACGTCAAA duplicated; duplicating any 23 consecutive bases within chr12:12,718,917-12,718,941 gives the same sequence; the c. name uses the placement nearest the transcript's 3' end. VCF-style (leftmost placement, unchanged base first): chr12-12718916-G-GAAGCCTGGCCTCAGAAGACGTCA. GRCh37 (hg19) VCF-style: chr12-12871850-G-GAAGCCTGGCCTCAGAAGACGTCA.
Other names: short protein forms T198fs.
Identifiers: ClinVar variation 1001822 (VCV001001822.6), dbSNP rs1946513130, ClinGen allele CA2017048252.

ClinVar aggregate classification (germline): Uncertain significance (1 of 4 stars; one submission).

Conditions:
Multiple endocrine neoplasia type 4. Also called: MULTIPLE ENDOCRINE NEOPLASIA, TYPE IV. Identifiers: Orphanet 276152, MedGen C1970712, MONDO:0012552, OMIM 610755.

Submission:

Labcorp Genetics (formerly Invitae), Labcorp
Classification: Uncertain significance for Multiple endocrine neoplasia type 4. Last evaluated: 2023-06-19. Review status: criteria provided, single submitter. Criteria: Invitae Variant Classification Sherloc (09022015). Collection method: clinical testing. Allele origin: germline.
Comment: This sequence change results in a frameshift in the CDKN1B gene (p.Thr198Serfs*35). While this is not anticipated to result in nonsense mediated decay, it is expected to disrupt the last 1 amino acid(s) of the CDKN1B protein and extend the protein by 33 additional amino acid residues. This variant is not present in population databases (gnomAD no frequency). This variant has not been reported in the literature in individuals affected with CDKN1B-related conditions. ClinVar contains an entry for this variant (Variation ID: 1001822). Experimental studies and prediction algorithms are not available or were not evaluated, and the functional significance of this variant is currently unknown. In summary, the available evidence is currently insufficient to determine the role of this variant in disease. Therefore, it has been classified as a Variant of Uncertain Significance.